The following is an entry in ClinVar:

NM_001289808.2(CRYAB):c.60C>T (p.Pro20=)

Gene: CRYAB (crystallin alpha B; minus strand). Cytogenetic location: 11q23.1.
Variant type: single nucleotide variant.
Coding change: c.60C>T on transcript NM_001289808.2 (MANE Select); coding-DNA position 60, C replaced by T.
Protein change: p.Pro20=; no amino-acid change (proline 20 retained).
Molecular consequence: synonymous variant.
Genome position (GRCh38, 1-based): chr11:111,911,665, G>A on the plus strand (C>T on the coding strand, the complement: CRYAB is on the minus strand). VCF-style: chr11-111911665-G-A. GRCh37 (hg19) VCF-style: chr11-111782389-G-A.
Other names: c.60C>T, p.Pro20= (NM_001289807.1, NM_001368245.1, NM_001885.3).
Identifiers: ClinVar variation 44239 (VCV000044239.33), dbSNP rs4252582, ClinGen allele CA133797.

ClinVar aggregate classification (germline): Benign. Review status: criteria provided, multiple submitters, no conflicts (2 of 4 stars). 12 submissions from 10 submitters: Benign (8). 4 of the submissions do not count toward it. Last evaluated 2026-02-01.

Conditions:
Cardiovascular phenotype. Identifiers: MedGen CN230736.
Dilated cardiomyopathy 1II (CMD1II). Identifiers: Orphanet 154, MedGen C3554649, MONDO:0014073, OMIM 615184.
Cardiomyopathy (CMYO). Also called: Cardiomyopathies. Identifiers: Orphanet 167848, MedGen C0878544, MONDO:0004994, HP:0001638. Inheritance: Various modes of inheritance.
Fatal infantile hypertonic myofibrillar myopathy (MFM2B). Also called: MYOPATHY, MYOFIBRILLAR, 2B, INFANTILE-ONSET; MFM, FATAL INFANTILE HYPERTONIC, ALPHA-B CRYSTALLIN-RELATED. Identifiers: Orphanet 280553, MedGen C5190691, MONDO:0013472, OMIM 613869.
Cataract 16 multiple types. Also called: CATARACT 16, POSTERIOR POLAR; CATARACT 16, CONGENITAL LAMELLAR; CATARACT, CONGENITAL LAMELLAR. Identifiers: Orphanet 91492, Orphanet 98992, Orphanet 98993, Orphanet 98995, MedGen C3808377, MONDO:0013411, OMIM 613763.
Myofibrillar myopathy 2. Also called: MYOPATHY, MYOFIBRILLAR, 2A, ADULT-ONSET; MYOPATHY, MYOFIBRILLAR, WITH OR WITHOUT CATARACT AND/OR CARDIOMYOPATHY; MYOPATHY, DESMIN-RELATED, ASSOCIATED WITH MUTATION IN THE CRYAB GENE; MYOPATHY, MYOFIBRILLAR, ALPHA-B CRYSTALLIN-RELATED. Identifiers: Orphanet 280553, Orphanet 399058, MedGen C1837317, MONDO:0012130.

Allele frequency attached by ClinVar (database versions not stated): gnomAD 0.00004 and 0.00116; TOPMed 0.00020; 1000 Genomes Project 30x 0.00968; 1000 Genomes Project 0.00998.
gnomAD v4.1: 3,663 of 1,608,418 alleles (0.23%); highest among the groups gnomAD compares: South Asian, 3.8%; 108 homozygotes.

Submissions (12):

Labcorp Genetics (formerly Invitae), Labcorp
Classification: Benign for Dilated cardiomyopathy 1II. Last evaluated: 2026-02-01. Review status: criteria provided, single submitter. Criteria: Invitae Variant Classification Sherloc (09022015). Collection method: clinical testing. Allele origin: germline.

Ambry Genetics
Classification: Benign for Cardiovascular phenotype. Last evaluated: 2017-07-19. Review status: criteria provided, single submitter. Criteria: Ambry Variant Classification Scheme 2023. Collection method: clinical testing. Allele origin: germline.

Illumina Laboratory Services, Illumina
Classification: Benign. Last evaluated: 2017-04-27. Review status: criteria provided, single submitter. Criteria: ICSL Variant Classification Criteria 13 December 2019. Collection method: clinical testing. Allele origin: germline.
Comment: This variant was observed as part of a predisposition screen in an ostensibly healthy population. A literature search was performed for the gene, cDNA change, and amino acid change (where applicable). No publications were found based on this search. Allele frequency data from public databases was too high to be consistent with this variant causing disease. Therefore, this variant is classified as benign.

Illumina Laboratory Services, Illumina
Classification: Benign for Fatal infantile hypertonic myofibrillar myopathy. Last evaluated: 2017-04-27. Review status: criteria provided, single submitter. Criteria: ICSL Variant Classification Criteria 13 December 2019. Collection method: clinical testing. Allele origin: germline.
Comment: the same text as in the submission from Illumina Laboratory Services, Illumina above.

Illumina Laboratory Services, Illumina
Classification: Benign for Cataract 16 multiple types. Last evaluated: 2017-04-27. Review status: criteria provided, single submitter. Criteria: ICSL Variant Classification Criteria 13 December 2019. Collection method: clinical testing. Allele origin: germline.
Comment: the same text as in the submission from Illumina Laboratory Services, Illumina above.

CHEO Genetics Diagnostic Laboratory, Children's Hospital of Eastern Ontario
Classification: Benign for Cardiomyopathy. Last evaluated: 2016-05-10. Review status: criteria provided, single submitter. Criteria: ACMG Guidelines, 2015. Collection method: clinical testing. Allele origin: germline. Study: Canadian Open Genetics Repository.

GeneDx
Classification: Benign. Last evaluated: 2015-12-16. Review status: criteria provided, single submitter. Criteria: GeneDx Variant Classification (06012015). Collection method: clinical testing. Allele origin: germline. Affected: yes.
Comment: This variant is considered likely benign or benign based on one or more of the following criteria: it is a conservative change, it occurs at a poorly conserved position in the protein, it is predicted to be benign by multiple in silico algorithms, and/or has population frequency not consistent with disease.

Laboratory for Molecular Medicine, Mass General Brigham Personalized Medicine
Classification: Benign. Last evaluated: 2013-01-23. Review status: criteria provided, single submitter. Criteria: LMM Criteria. Collection method: clinical testing. Allele origin: germline. Observed: 6 variant alleles.
Comment: Pro20Pro in exon 1 of CRYAB: This variant is not expected to have clinical signi ficance because it has been identified in 8.0% (14/176) of Gujarati Indian chrom osomes from a broad population by the HapMap Project (dbSNP rs4252582).

Clinical Genetics, Academic Medical Center
Classification: Benign. Review status: no assertion criteria provided. Collection method: clinical testing. Allele origin: germline. Affected: yes. Study: VKGL Data-share Consensus. Not counted in ClinVar's aggregate classification.

Diagnostic Laboratory, Department of Genetics, University Medical Center Groningen
Classification: Likely benign. Review status: no assertion criteria provided. Collection method: clinical testing. Allele origin: germline. Affected: yes. Study: VKGL Data-share Consensus. Not counted in ClinVar's aggregate classification.

Genome Diagnostics Laboratory, University Medical Center Utrecht
Classification: Benign. Review status: no assertion criteria provided. Collection method: clinical testing. Allele origin: germline. Affected: yes. Study: VKGL Data-share Consensus. Not counted in ClinVar's aggregate classification.

Joint Genome Diagnostic Labs from Nijmegen and Maastricht, Radboudumc and MUMC+
Classification: Benign. Review status: no assertion criteria provided. Collection method: clinical testing. Allele origin: germline. Affected: yes. Study: VKGL Data-share Consensus. Not counted in ClinVar's aggregate classification.